The following is an entry in ClinVar:

NM_001253852.3(AP4B1):c.443_444delinsC (p.His148fs)

Gene: AP4B1 (adaptor related protein complex 4 subunit beta 1; minus strand). Cytogenetic location: 1p13.2.
Variant type: Indel.
Coding change: c.443_444delinsC on transcript NM_001253852.3 (MANE Select); coding-DNA positions 443 to 444, AT replaced by C.
Protein change: p.His148fs; shifts the reading frame from histidine 148.
Molecular consequence: frameshift variant. On other transcripts: intron variant (1).
Genome position (GRCh38, 1-based): chr1:113,901,780-113,901,781, AT replaced by G on the plus strand (AT replaced by C on the coding strand, the reverse complement: AP4B1 is on the minus strand). VCF-style: chr1-113901780-AT-G. GRCh37 (hg19) VCF-style: chr1-114444402-AT-G.
Other names: c.146_147delinsC, p.His49fs (NM_001253853.3); c.443_444delinsC, p.His148fs (NM_006594.5); c.114-1381_114-1380delinsC (NM_001308312.2); short protein forms H148fs, H49fs.
Identifiers: ClinVar variation 1703332 (VCV001703332.3), dbSNP rs2526631120, ClinGen allele CA2580060834.
Genomic context (GRCh38, chr1:113,901,780, plus strand): 5'-GGCACATTGACCATGATGGATTACACTGAACTTACCTACTTCAGAGTCTCCATGAAGATT[AT>G]GCATCTTGGCACATCCAAGGACTGCCACTCTCCTGACATATGAAGCCTTATCCCGCAGAC-3'

ClinVar aggregate classification (germline): Pathogenic (1 of 4 stars; one submission).

Submission:

GeneDx
Classification: Pathogenic. Last evaluated: 2023-09-18. Review status: criteria provided, single submitter. Criteria: GeneDx Variant Classification Process June 2021. Collection method: clinical testing. Allele origin: germline.
Comment: Frameshift variant predicted to result in protein truncation or nonsense-mediated decay in a gene for which loss-of-function is a known mechanism of disease; Not observed at significant frequency in large population cohorts (gnomAD); Has not been previously published as pathogenic or benign to our knowledge